The following is an entry in ClinVar:

ClinVar aggregate classification (germline): Pathogenic/Likely pathogenic. Review status: criteria provided, multiple submitters, no conflicts (2 of 4 stars). 2 submissions from 2 submitters: Pathogenic (1); Likely pathogenic (1). Last evaluated 2023-12-10.

Conditions:
Werner syndrome (WRN). Identifiers: Orphanet 902, MedGen C0043119, MONDO:0010196, OMIM 277700.

Allele frequency attached by ClinVar (database versions not stated): gnomAD exomes below 0.00001; gnomAD 0.00001.
gnomAD v4.1: 3 of 1,614,046 alleles (0.00019%); highest among the groups gnomAD compares: East Asian, 0.0022%; no homozygotes.

Submissions (2):

Baylor Genetics
Classification: Likely pathogenic for Werner syndrome. Last evaluated: 2023-12-10. Review status: criteria provided, single submitter. Criteria: ACMG Guidelines, 2015. Collection method: clinical testing. Allele origin: unknown.

Labcorp Genetics (formerly Invitae), Labcorp
Classification: Pathogenic for Werner syndrome. Last evaluated: 2022-11-25. Review status: criteria provided, single submitter. Criteria: Invitae Variant Classification Sherloc (09022015). Collection method: clinical testing. Allele origin: germline.
Comment: This sequence change creates a premature translational stop signal (p.Gln1059*) in the WRN gene. It is expected to result in an absent or disrupted protein product. Loss-of-function variants in WRN are known to be pathogenic (PMID: 16673358). For these reasons, this variant has been classified as Pathogenic. Algorithms developed to predict the effect of sequence changes on RNA splicing suggest that this variant may disrupt the consensus splice site. ClinVar contains an entry for this variant (Variation ID: 1432269). This variant has not been reported in the literature in individuals affected with WRN-related conditions. This variant is present in population databases (no rsID available, gnomAD 0.005%).

Literature cited by the submitters: PubMed 16673358 (cited by Labcorp Genetics (formerly Invitae), Labcorp).

NM_000553.6(WRN):c.3175C>T (p.Gln1059Ter)

Gene: WRN (WRN RecQ like helicase; plus strand). Cytogenetic location: 8p12.
Variant type: single nucleotide variant.
Coding change: c.3175C>T on transcript NM_000553.6 (MANE Select); coding-DNA position 3175, C replaced by T.
Protein change: p.Gln1059Ter; replaces glutamine 1059 with a stop codon.
Molecular consequence: nonsense.
Genome position (GRCh38, 1-based): chr8:31,141,717, C>T. VCF-style: chr8-31141717-C-T. GRCh37 (hg19) VCF-style: chr8-30999233-C-T.
Other names: short protein forms Q1059*.
Identifiers: ClinVar variation 1432269 (VCV001432269.7), dbSNP rs1319491415, ClinGen allele CA370923030.